The following is an entry in ClinVar:

NM_001292063.2(OTOG):c.6181G>T (p.Val2061Leu)

Gene: OTOG (otogelin; plus strand). Cytogenetic location: 11p15.1.
Variant type: single nucleotide variant.
Coding change: c.6181G>T on transcript NM_001292063.2 (MANE Select); coding-DNA position 6181, G replaced by T.
Protein change: p.Val2061Leu; replaces valine 2061 with leucine.
Molecular consequence: missense variant.
Genome position (GRCh38, 1-based): chr11:17,612,219, G>T. VCF-style: chr11-17612219-G-T. GRCh37 (hg19) VCF-style: chr11-17633766-G-T.
Other names: c.6217G>T, p.Val2073Leu (NM_001277269.2); short protein forms V2073L, V2061L.
Identifiers: ClinVar variation 930093 (VCV000930093.4), dbSNP rs748497956, ClinGen allele CA379803561.

ClinVar aggregate classification (germline): Uncertain significance (1 of 4 stars; one submission).

gnomAD v4.1: 2 of 1,549,210 alleles (0.00013%); highest among the groups gnomAD compares: East Asian, 0.0024%; no homozygotes.

Submission:

Laboratory for Molecular Medicine, Mass General Brigham Personalized Medicine
Classification: Uncertain significance. Last evaluated: 2019-08-28. Review status: criteria provided, single submitter. Criteria: LMM Criteria. Collection method: clinical testing. Allele origin: germline. Observed: 1 variant allele.
Comment: The p.Val2073Leu variant in OTOG has not been previously reported in individuals with hearing loss but has been identified in 0.06% (1/1560) of East Asian chromosomes by gnomAD. Computational prediction tools and conservation analysis suggest that this variant may not impact the protein, though this information is not predictive enough to rule out pathogenicity. In summary, the clinical significance of this variant is uncertain. ACMG/AMP Criteria applied: PM2_Supporting, BP4.